The following is an entry in ClinVar:

NM_000789.4(ACE):c.3560C>T (p.Thr1187Met)

Gene: ACE (angiotensin I converting enzyme; plus strand). Cytogenetic location: 17q23.3.
Variant type: single nucleotide variant.
Coding change: c.3560C>T on transcript NM_000789.4 (MANE Select); coding-DNA position 3560, C replaced by T.
Protein change: p.Thr1187Met; replaces threonine 1187 with methionine.
Molecular consequence: missense variant.
Genome position (GRCh38, 1-based): chr17:63,496,854, C>T. VCF-style: chr17-63496854-C-T. GRCh37 (hg19) VCF-style: chr17-61574215-C-T.
Other names: p.Thr1187Met; c.1715C>T, p.Thr572Met (NM_001178057.2); c.1838C>T, p.Thr613Met (NM_152830.3); short protein forms T572M, T613M, T1187M.
Identifiers: ClinVar variation 789096 (VCV000789096.17), dbSNP rs12709442, ClinGen allele CA8700553.

ClinVar aggregate classification (germline): Benign/Likely benign. Review status: criteria provided, multiple submitters, no conflicts (2 of 4 stars). 4 submissions from 4 submitters: Benign (1); Likely benign (2). 1 of the submissions does not count toward it. Last evaluated 2025-12-21.

Conditions:
ACE-related disorder. Also called: ACE-related disorders; ACE-related condition.
Renal tubular dysgenesis. Also called: Renotubular dysgenesis. Identifiers: Orphanet 3033, MedGen C0266313, MONDO:0017609, HP:0008660.

Allele frequency attached by ClinVar (database versions not stated): gnomAD exomes 0.00076; ExAC 0.00099; gnomAD 0.00255 and 0.00274; 1000 Genomes Project 0.00260; TOPMed 0.00325; ESP Exome Variant Server 0.00331; 1000 Genomes Project 30x 0.00375.

Submissions (4):

Labcorp Genetics (formerly Invitae), Labcorp
Classification: Benign. Last evaluated: 2025-12-21. Review status: criteria provided, single submitter. Criteria: Invitae Variant Classification Sherloc (09022015). Collection method: clinical testing. Allele origin: germline.

Mayo Clinic Laboratories, Mayo Clinic
Classification: Likely benign. Last evaluated: 2025-06-20. Review status: criteria provided, single submitter. Criteria: ACMG Guidelines, 2015. Collection method: clinical testing. Allele origin: germline. Observed: 1 variant allele.
Comment: BS1

Illumina Laboratory Services, Illumina
Classification: Likely benign for Renal tubular dysgenesis of genetic origin. Last evaluated: 2018-01-13. Review status: criteria provided, single submitter. Criteria: ICSL Variant Classification Criteria 13 December 2019. Collection method: clinical testing. Allele origin: germline.
Comment: This variant was observed in the ICSL laboratory as part of a predisposition screen in an ostensibly healthy population. It had not been previously curated by ICSL or reported in the Human Gene Mutation Database (HGMD: prior to June 1st, 2018), and was therefore a candidate for classification through an automated scoring system. Utilizing variant allele frequency, disease prevalence and penetrance estimates, and inheritance mode, an automated score was calculated to assess if this variant is too frequent to cause the disease. Based on the score and internal cut-off values, a variant classified as likely benign is not then subjected to further curation. The score for this variant resulted in a classification of likely benign for this disease.

PreventionGenetics, part of Exact Sciences
Classification: Benign for ACE-related condition. Last evaluated: 2020-11-30. Review status: no assertion criteria provided. Collection method: clinical testing. Allele origin: germline. Not counted in ClinVar's aggregate classification.
Comment: This variant is classified as benign based on ACMG/AMP sequence variant interpretation guidelines (Richards et al. 2015 PMID: 25741868, with internal and published modifications).